The following is an entry in ClinVar:

ClinVar aggregate classification (germline): Uncertain significance (1 of 4 stars; one submission).

Submission:

GeneDx
Classification: Uncertain significance. Last evaluated: 2024-02-27. Review status: criteria provided, single submitter. Criteria: GeneDx Variant Classification Process June 2021. Collection method: clinical testing. Allele origin: germline. Affected: yes.
Comment: Not observed at significant frequency in large population cohorts (gnomAD); In silico analysis supports that this missense variant does not alter protein structure/function; Has not been previously published as pathogenic or benign to our knowledge

NM_021072.4(HCN1):c.2650C>G (p.Pro884Ala)

Gene: HCN1 (hyperpolarization activated cyclic nucleotide gated potassium channel 1; minus strand). Cytogenetic location: 5p12.
Variant type: single nucleotide variant.
Coding change: c.2650C>G on transcript NM_021072.4 (MANE Select); coding-DNA position 2650, C replaced by G.
Protein change: p.Pro884Ala; replaces proline 884 with alanine.
Molecular consequence: missense variant.
Genome position (GRCh38, 1-based): chr5:45,261,944, G>C on the plus strand (C>G on the coding strand, the complement: HCN1 is on the minus strand). VCF-style: chr5-45261944-G-C. GRCh37 (hg19) VCF-style: chr5-45262046-G-C.
Other names: short protein forms P884A.
Identifiers: ClinVar variation 3373343 (VCV003373343.1).